The following is an entry in ClinVar:

ClinVar aggregate classification (germline): Conflicting classifications of pathogenicity. Review status: criteria provided, conflicting classifications (1 of 4 stars). 3 submissions from 3 submitters: Uncertain significance (1); Benign (1). 1 of the submissions does not count toward it. Last evaluated 2026-01-01.

Conditions:
RAI1-related disorder. Also called: RAI1-related condition.
Inborn genetic diseases. Identifiers: MedGen C0950123, MeSH D030342.

Allele frequency attached by ClinVar (database versions not stated): gnomAD 0.00003; TOPMed 0.00003; gnomAD exomes 0.00006 and 0.00017; ExAC 0.00031.
gnomAD v4.1: 101 of 1,613,688 alleles (0.0063%); highest among the groups gnomAD compares: Non-Finnish European, 0.0062%; no homozygotes.

Submissions (3):

Labcorp Genetics (formerly Invitae), Labcorp
Classification: Uncertain significance. Last evaluated: 2026-01-01. Review status: criteria provided, single submitter. Criteria: Invitae Variant Classification Sherloc (09022015). Collection method: clinical testing. Allele origin: germline.
Comment: This sequence change replaces threonine, which is neutral and polar, with isoleucine, which is neutral and non-polar, at codon 1728 of the RAI1 protein (p.Thr1728Ile). This variant is present in population databases (rs201220981, gnomAD 0.03%), and has an allele count higher than expected for a pathogenic variant. This variant has not been reported in the literature in individuals affected with RAI1-related conditions. ClinVar contains an entry for this variant (Variation ID: 1484839). Invitae Evidence Modeling of protein sequence and biophysical properties (such as structural, functional, and spatial information, amino acid conservation, physicochemical variation, residue mobility, and thermodynamic stability) indicates that this missense variant is not expected to disrupt RAI1 protein function with a negative predictive value of 80%. In summary, the available evidence is currently insufficient to determine the role of this variant in disease. Therefore, it has been classified as a Variant of Uncertain Significance.

Ambry Genetics
Classification: Benign for Inborn genetic diseases. Last evaluated: 2020-04-01. Review status: criteria provided, single submitter. Criteria: Ambry Variant Classification Scheme 2023. Collection method: clinical testing. Allele origin: germline.

PreventionGenetics, part of Exact Sciences
Classification: Likely benign for RAI1-related condition. Last evaluated: 2022-08-29. Review status: no assertion criteria provided. Collection method: clinical testing. Allele origin: germline. Not counted in ClinVar's aggregate classification.
Comment: This variant is classified as likely benign based on ACMG/AMP sequence variant interpretation guidelines (Richards et al. 2015 PMID: 25741868, with internal and published modifications).

NM_030665.4(RAI1):c.5183C>T (p.Thr1728Ile)

Gene: RAI1 (retinoic acid induced 1; plus strand). Cytogenetic location: 17p11.2.
Variant type: single nucleotide variant.
Coding change: c.5183C>T on transcript NM_030665.4 (MANE Select); coding-DNA position 5183, C replaced by T.
Protein change: p.Thr1728Ile; replaces threonine 1728 with isoleucine.
Molecular consequence: missense variant.
Genome position (GRCh38, 1-based): chr17:17,798,131, C>T. VCF-style: chr17-17798131-C-T. GRCh37 (hg19) VCF-style: chr17-17701445-C-T.
Other names: short protein forms T1728I.
Identifiers: ClinVar variation 1484839 (VCV001484839.10), dbSNP rs201220981, ClinGen allele CA8419105.